The following is an entry in ClinVar:

ClinVar aggregate classification (germline): Uncertain significance. Review status: criteria provided, multiple submitters, no conflicts (2 of 4 stars). 2 submissions from 2 submitters: Uncertain significance (2). Last evaluated 2025-09-11.

Conditions:
Neuroblastoma, susceptibility to, 3. Also called: ALK-Related Neuroblastic Tumor Susceptibility. Identifiers: Orphanet 635, MedGen C2751681, MONDO:0013083, OMIM 613014.
Hereditary cancer-predisposing syndrome. Also called: Neoplastic Syndromes, Hereditary; Hereditary neoplastic syndrome; Tumor predisposition; Hereditary Cancer Syndrome. Identifiers: Orphanet 140162, MedGen C0027672, MeSH D009386, MONDO:0015356.

Allele frequency attached by ClinVar (database versions not stated): gnomAD 0.00001.
gnomAD v4.1: 2 of 1,614,058 alleles (0.00012%); highest among the groups gnomAD compares: Non-Finnish European, 0.000085%; no homozygotes.

Submissions (2):

Ambry Genetics
Classification: Uncertain significance for Hereditary cancer-predisposing syndrome. Last evaluated: 2025-09-11. Review status: criteria provided, single submitter. Criteria: Ambry Variant Classification Scheme 2023. Collection method: clinical testing. Allele origin: germline.
Comment: The p.V597L variant (also known as c.1789G>T), located in coding exon 9 of the ALK gene, results from a G to T substitution at nucleotide position 1789. The valine at codon 597 is replaced by leucine, an amino acid with highly similar properties. This amino acid position is conserved. In addition, this alteration is predicted to be tolerated by in silico analysis. Based on the available evidence, the clinical significance of this variant remains unclear.

Labcorp Genetics (formerly Invitae), Labcorp
Classification: Uncertain significance for Neuroblastoma, susceptibility to, 3. Last evaluated: 2023-11-11. Review status: criteria provided, single submitter. Criteria: Invitae Variant Classification Sherloc (09022015). Collection method: clinical testing. Allele origin: germline.
Comment: This sequence change replaces valine, which is neutral and non-polar, with leucine, which is neutral and non-polar, at codon 597 of the ALK protein (p.Val597Leu). This variant is present in population databases (no rsID available, gnomAD no frequency). This variant has not been reported in the literature in individuals affected with ALK-related conditions. ClinVar contains an entry for this variant (Variation ID: 1932917). An algorithm developed to predict the effect of missense changes on protein structure and function (PolyPhen-2) suggests that this variant is likely to be tolerated. In summary, the available evidence is currently insufficient to determine the role of this variant in disease. Therefore, it has been classified as a Variant of Uncertain Significance.

NM_004304.5(ALK):c.1789G>T (p.Val597Leu)

Gene: ALK (ALK receptor tyrosine kinase; minus strand). Cytogenetic location: 2p23.2.
Variant type: single nucleotide variant.
Coding change: c.1789G>T on transcript NM_004304.5 (MANE Select); coding-DNA position 1789, G replaced by T.
Protein change: p.Val597Leu; replaces valine 597 with leucine.
Molecular consequence: missense variant.
Genome position (GRCh38, 1-based): chr2:29,296,916, C>A on the plus strand (G>T on the coding strand, the complement: ALK is on the minus strand). VCF-style: chr2-29296916-C-A. GRCh37 (hg19) VCF-style: chr2-29519782-C-A.
Other names: c.1789G>T (NM_004304.4); short protein forms V597L.
Identifiers: ClinVar variation 1932917 (VCV001932917.6), dbSNP rs1287192859, ClinGen allele CA346465918.